The following is an entry in ClinVar:

ClinVar aggregate classification (germline): Uncertain significance (1 of 4 stars; one submission).

Conditions:
Hereditary spastic paraplegia 30. Identifiers: Orphanet 101010, MedGen C5235139, MONDO:0012476.
Neuropathy, hereditary sensory, type 2C. Also called: Hereditary sensory and autonomic neuropathy type IIC; KIF1A-Related HSAN2 (HSAN2C). Identifiers: Orphanet 970, MedGen C3280168, MONDO:0013634, OMIM 614213.
Intellectual disability, autosomal dominant 9 (NESCAVS). Also called: NESCAV SYNDROME; KIF1A-Related Neurodevelopmental Disorder. Identifiers: Orphanet 662367, MedGen C5393830, MONDO:0013656, OMIM 614255.

Submission:

Labcorp Genetics (formerly Invitae), Labcorp
Classification: Uncertain significance for Hereditary spastic paraplegia 30; Neuropathy, hereditary sensory, type 2C; Intellectual disability, autosomal dominant 9. Last evaluated: 2022-06-24. Review status: criteria provided, single submitter. Criteria: Invitae Variant Classification Sherloc (09022015). Collection method: clinical testing. Allele origin: germline.
Comment: This variant is not present in population databases (gnomAD no frequency). This sequence change replaces methionine, which is neutral and non-polar, with isoleucine, which is neutral and non-polar, at codon 1274 of the KIF1A protein (p.Met1274Ile). In summary, the available evidence is currently insufficient to determine the role of this variant in disease. Therefore, it has been classified as a Variant of Uncertain Significance. Algorithms developed to predict the effect of missense changes on protein structure and function are either unavailable or do not agree on the potential impact of this missense change (SIFT: "Deleterious"; PolyPhen-2: "Benign"; Align-GVGD: "Class C0"). This variant has not been reported in the literature in individuals affected with KIF1A-related conditions.

NM_001244008.2(KIF1A):c.4125G>T (p.Met1375Ile)

Gene: KIF1A (kinesin family member 1A; minus strand). Cytogenetic location: 2q37.3.
Variant type: single nucleotide variant.
Coding change: c.4125G>T on transcript NM_001244008.2 (MANE Select); coding-DNA position 4125, G replaced by T.
Protein change: p.Met1375Ile; replaces methionine 1375 with isoleucine.
Molecular consequence: missense variant.
Genome position (GRCh38, 1-based): chr2:240,725,402, C>A on the plus strand (G>T on the coding strand, the complement: KIF1A is on the minus strand). VCF-style: chr2-240725402-C-A. GRCh37 (hg19) VCF-style: chr2-241664819-C-A.
Other names: c.3849G>T, p.Met1283Ile (NM_001320705.2, NM_001379649.1); c.3876G>T, p.Met1292Ile (NM_001330289.2); c.3924G>T, p.Met1308Ile (NM_001330290.2, NM_001379648.1); c.4200G>T, p.Met1400Ile (NM_001379631.1); c.4101G>T, p.Met1367Ile (NM_001379632.1); c.4098G>T, p.Met1366Ile (NM_001379633.1, NM_001379645.1); c.3951G>T, p.Met1317Ile (NM_001379634.1); c.3948G>T, p.Met1316Ile (NM_001379635.1, NM_001379646.1); and 7 more; short protein forms M1273I, M1299I, M1366I, M1375I, M1274I, M1292I, M1312I, M1316I.
Identifiers: ClinVar variation 2010332 (VCV002010332.4), dbSNP rs2536777399, ClinGen allele CA351308405.
Genomic context (GRCh38, chr2:240,725,402, plus strand): 5'-ACGGGAATAGAAGACCATGCAGAAGTCCTTGGTGACAACAGCCGGCTGGGTGCAGTTCTC[C>A]ATCTGAGATAGGCGGGAGCAGGACTCAGGCACAAGGACACCCCGAGTGCCCAGGTGCCCT-3'
Protein context (NP_001230937.1, residues 1365-1385): IYMTLSAYIE[Met1375Ile]ENCTQPAVVT